The following is an entry in ClinVar:

NM_004525.3(LRP2):c.2987G>C (p.Arg996Pro)

Gene: LRP2 (LDL receptor related protein 2; minus strand). Cytogenetic location: 2q31.1.
Variant type: single nucleotide variant.
Coding change: c.2987G>C on transcript NM_004525.3 (MANE Select); coding-DNA position 2987, G replaced by C.
Protein change: p.Arg996Pro; replaces arginine 996 with proline.
Molecular consequence: missense variant.
Genome position (GRCh38, 1-based): chr2:169,246,908, C>G on the plus strand (G>C on the coding strand, the complement: LRP2 is on the minus strand). VCF-style: chr2-169246908-C-G. GRCh37 (hg19) VCF-style: chr2-170103418-C-G.
Other names: short protein forms R996P.
Identifiers: ClinVar variation 1952901 (VCV001952901.2), dbSNP rs201115003, ClinGen allele CA349153470.

ClinVar aggregate classification (germline): Uncertain significance (1 of 4 stars; one submission).

Submission:

Labcorp Genetics (formerly Invitae), Labcorp
Classification: Uncertain significance. Last evaluated: 2022-08-09. Review status: criteria provided, single submitter. Criteria: Invitae Variant Classification Sherloc (09022015). Collection method: clinical testing. Allele origin: germline.
Comment: This sequence change replaces arginine, which is basic and polar, with proline, which is neutral and non-polar, at codon 996 of the LRP2 protein (p.Arg996Pro). This variant is not present in population databases (gnomAD no frequency). This variant has not been reported in the literature in individuals affected with LRP2-related conditions. Algorithms developed to predict the effect of missense changes on protein structure and function are either unavailable or do not agree on the potential impact of this missense change (SIFT: "Deleterious"; PolyPhen-2: "Probably Damaging"; Align-GVGD: "Class C0"). In summary, the available evidence is currently insufficient to determine the role of this variant in disease. Therefore, it has been classified as a Variant of Uncertain Significance.